The following is an entry in ClinVar:

NM_015311.3(OBSL1):c.772A>G (p.Asn258Asp)

Gene: OBSL1 (obscurin like cytoskeletal adaptor 1; minus strand). Cytogenetic location: 2q35.
Variant type: single nucleotide variant.
Coding change: c.772A>G on transcript NM_015311.3 (MANE Select); coding-DNA position 772, A replaced by G.
Protein change: p.Asn258Asp; replaces asparagine 258 with aspartic acid.
Molecular consequence: missense variant.
Genome position (GRCh38, 1-based): chr2:219,570,461, T>C on the plus strand (A>G on the coding strand, the complement: OBSL1 is on the minus strand). VCF-style: chr2-219570461-T-C. GRCh37 (hg19) VCF-style: chr2-220435183-T-C.
Other names: c.772A>G, p.Asn258Asp (NM_001173408.2, NM_001173431.2); short protein forms N258D.
Identifiers: ClinVar variation 1350130 (VCV001350130.8), dbSNP rs1697261119, ClinGen allele CA350763995.

ClinVar aggregate classification (germline): Uncertain significance (1 of 4 stars; one submission).

Allele frequency attached by ClinVar (database versions not stated): gnomAD exomes below 0.00001.
gnomAD v4.1: 2 of 1,612,932 alleles (0.00012%); highest among the groups gnomAD compares: South Asian, 0.0011%; no homozygotes.

Submission:

Labcorp Genetics (formerly Invitae), Labcorp
Classification: Uncertain significance. Last evaluated: 2024-02-17. Review status: criteria provided, single submitter. Criteria: Invitae Variant Classification Sherloc (09022015). Collection method: clinical testing. Allele origin: germline.
Comment: This sequence change replaces asparagine, which is neutral and polar, with aspartic acid, which is acidic and polar, at codon 258 of the OBSL1 protein (p.Asn258Asp). This variant is not present in population databases (gnomAD no frequency). This variant has not been reported in the literature in individuals affected with OBSL1-related conditions. ClinVar contains an entry for this variant (Variation ID: 1350130). An algorithm developed to predict the effect of missense changes on protein structure and function (PolyPhen-2) suggests that this variant is likely to be disruptive. In summary, the available evidence is currently insufficient to determine the role of this variant in disease. Therefore, it has been classified as a Variant of Uncertain Significance.